The following is an entry in ClinVar:

ClinVar aggregate classification (germline): Uncertain significance (1 of 4 stars; one submission).

Submission:

Labcorp Genetics (formerly Invitae), Labcorp
Classification: Uncertain significance. Last evaluated: 2022-02-11. Review status: criteria provided, single submitter. Criteria: Invitae Variant Classification Sherloc (09022015). Collection method: clinical testing. Allele origin: germline.
Comment: In summary, the available evidence is currently insufficient to determine the role of this variant in disease. Therefore, it has been classified as a Variant of Uncertain Significance. Algorithms developed to predict the effect of missense changes on protein structure and function output the following: SIFT: "Tolerated"; PolyPhen-2: "Benign"; Align-GVGD: "Class C0". The serine amino acid residue is found in multiple mammalian species, which suggests that this missense change does not adversely affect protein function. ClinVar contains an entry for this variant (Variation ID: 1053340). This variant has not been reported in the literature in individuals affected with EYS-related conditions. This variant is not present in population databases (gnomAD no frequency). This sequence change replaces proline, which is neutral and non-polar, with serine, which is neutral and polar, at codon 1875 of the EYS protein (p.Pro1875Ser).

NM_001142800.2(EYS):c.5623C>T (p.Pro1875Ser)

Gene: EYS (EGF-like photoreceptor maintenance factor; minus strand). Cytogenetic location: 6q12.
Variant type: single nucleotide variant.
Coding change: c.5623C>T on transcript NM_001142800.2 (MANE Select); coding-DNA position 5623, C replaced by T.
Protein change: p.Pro1875Ser; replaces proline 1875 with serine.
Molecular consequence: missense variant.
Genome position (GRCh38, 1-based): chr6:64,590,244, G>A on the plus strand (C>T on the coding strand, the complement: EYS is on the minus strand). VCF-style: chr6-64590244-G-A. GRCh37 (hg19) VCF-style: chr6-65300137-G-A.
Other names: c.5623C>T, p.Pro1875Ser (NM_001292009.2); short protein forms P1875S.
Identifiers: ClinVar variation 1053340 (VCV001053340.9), dbSNP rs2149830908, ClinGen allele CA364780708.